The following is an entry in ClinVar:

NM_001330700.2(TOP2B):c.3140G>A (p.Arg1047Gln)

Gene: TOP2B (DNA topoisomerase II beta; minus strand). Cytogenetic location: 3p24.2.
Variant type: single nucleotide variant.
Coding change: c.3140G>A on transcript NM_001330700.2 (MANE Select); coding-DNA position 3140, G replaced by A.
Protein change: p.Arg1047Gln; replaces arginine 1047 with glutamine.
Molecular consequence: missense variant.
Genome position (GRCh38, 1-based): chr3:25,618,773, C>T on the plus strand (G>A on the coding strand, the complement: TOP2B is on the minus strand). VCF-style: chr3-25618773-C-T. GRCh37 (hg19) VCF-style: chr3-25660264-C-T.
Other names: c.3125G>A, p.Arg1042Gln (NM_001068.3); short protein forms R1047Q, R1042Q.
Identifiers: ClinVar variation 493357 (VCV000493357.45), dbSNP rs1553640695, ClinGen allele CA351897351.
Genomic context (GRCh38, chr3:25,618,773, plus strand): 5'-GTAGATTCTGCTCCCAACATTCCCACAAGCCACTCCTTACGTAAACCGTAATAACTTAAT[C>T]GTAAATCAAAGAATTCTTTCAGAATGTCTTGCACAGTTTCATATTTCTTCAGACATCCCA-3'
Protein context (NP_001317629.1, residues 1037-1057): QDILKEFFDL[Arg1047Gln]LSYYGLRKEW

ClinVar aggregate classification (germline): Uncertain significance. Review status: criteria provided, multiple submitters, no conflicts (2 of 4 stars). 2 submissions from 2 submitters: Uncertain significance (2). Last evaluated 2024-05-19.

Submissions (2):

Labcorp Genetics (formerly Invitae), Labcorp
Classification: Uncertain significance. Last evaluated: 2024-05-19. Review status: criteria provided, single submitter. Criteria: Invitae Variant Classification Sherloc (09022015). Collection method: clinical testing. Allele origin: germline.
Comment: This sequence change replaces arginine, which is basic and polar, with glutamine, which is neutral and polar, at codon 1042 of the TOP2B protein (p.Arg1042Gln). This variant is not present in population databases (gnomAD no frequency). This variant has not been reported in the literature in individuals affected with TOP2B-related conditions. ClinVar contains an entry for this variant (Variation ID: 493357). An algorithm developed to predict the effect of missense changes on protein structure and function (PolyPhen-2) suggests that this variant is likely to be disruptive. In summary, the available evidence is currently insufficient to determine the role of this variant in disease. Therefore, it has been classified as a Variant of Uncertain Significance.

CeGaT Center for Human Genetics Tuebingen
Classification: Uncertain significance. Last evaluated: 2017-10-01. Review status: criteria provided, single submitter. Criteria: CeGaT Center For Human Genetics Tuebingen Variant Classification Criteria Version 2. Collection method: clinical testing. Allele origin: germline. Affected: yes. Observed: 1 variant allele.